The following is an entry in ClinVar:

ClinVar aggregate classification (germline): Uncertain significance (1 of 4 stars; one submission).

Allele frequency attached by ClinVar (database versions not stated): gnomAD exomes below 0.00001; TOPMed below 0.00001; gnomAD 0.00001.
gnomAD v4.1: 3 of 1,613,592 alleles (0.00019%); highest among the groups gnomAD compares: Non-Finnish European, 0.00025%; no homozygotes.

Submission:

Labcorp Genetics (formerly Invitae), Labcorp
Classification: Uncertain significance. Last evaluated: 2022-11-17. Review status: criteria provided, single submitter. Criteria: Invitae Variant Classification Sherloc (09022015). Collection method: clinical testing. Allele origin: germline.
Comment: In summary, the available evidence is currently insufficient to determine the role of this variant in disease. Therefore, it has been classified as a Variant of Uncertain Significance. Advanced modeling of protein sequence and biophysical properties (such as structural, functional, and spatial information, amino acid conservation, physicochemical variation, residue mobility, and thermodynamic stability) performed at Invitae indicates that this missense variant is not expected to disrupt RAI1 protein function. This variant has not been reported in the literature in individuals affected with RAI1-related conditions. This variant is not present in population databases (gnomAD no frequency). This sequence change replaces cysteine, which is neutral and slightly polar, with arginine, which is basic and polar, at codon 1729 of the RAI1 protein (p.Cys1729Arg).

NM_030665.4(RAI1):c.5185T>C (p.Cys1729Arg)

Gene: RAI1 (retinoic acid induced 1; plus strand). Cytogenetic location: 17p11.2.
Variant type: single nucleotide variant.
Coding change: c.5185T>C on transcript NM_030665.4 (MANE Select); coding-DNA position 5185, T replaced by C.
Protein change: p.Cys1729Arg; replaces cysteine 1729 with arginine.
Molecular consequence: missense variant.
Genome position (GRCh38, 1-based): chr17:17,798,133, T>C. VCF-style: chr17-17798133-T-C. GRCh37 (hg19) VCF-style: chr17-17701447-T-C.
Other names: short protein forms C1729R.
Identifiers: ClinVar variation 2717409 (VCV002717409.3), dbSNP rs1157738885, ClinGen allele CA398558523.